The following is an entry in ClinVar:

NM_182760.4(SUMF1):c.523_524del (p.Ala175fs)

Gene: SUMF1 (sulfatase modifying factor 1; minus strand). Cytogenetic location: 3p26.1.
Variant type: Deletion.
Coding change: c.523_524del on transcript NM_182760.4 (MANE Select); coding-DNA positions 523 to 524, 2 bases deleted (GC; older notation c.523_524delGC).
Protein change: p.Ala175fs; shifts the reading frame from alanine 175.
Molecular consequence: frameshift variant.
Genome position (GRCh38, 1-based): chr3:4,420,142-4,420,143, GC deleted on the plus strand (GC on the coding strand, the reverse complement: SUMF1 is on the minus strand). VCF-style (leftmost placement, unchanged base first): chr3-4420141-TGC-T. GRCh37 (hg19) VCF-style: chr3-4461825-TGC-T.
Other names: c.448_449del, p.Ala150fs (NM_001164674.2); c.523_524del, p.Ala175fs (NM_001164675.2); short protein forms A150fs, A175fs.
Identifiers: ClinVar variation 5011292 (VCV005011292.1).
Genomic context (GRCh38, chr3:4,420,141, plus strand): 5'-GTCAGGCCCTTCTGGGTGTCTCCAGTTAGCGCCTTTCACAGGTAACCACCAGGGAGCAGC[TGC>T]AACCTCAAAGCAACCCAGAACAGGCTGATGTTAGCTACTAACATCAACTCTAGAAAAATA-3'

ClinVar aggregate classification (germline): Pathogenic (1 of 4 stars; one submission).

Conditions:
Multiple sulfatase deficiency (MSD). Also called: Mucosulfatidosis; Multiple Sulfatase Deficiency Disease; Sulfatidosis, Juvenile, Austin Type. Identifiers: Orphanet 585, MedGen C0268263, MONDO:0010088, OMIM 272200.

Submission:

Myriad Genetics, Inc.
Classification: Pathogenic for Multiple sulfatase deficiency. Last evaluated: 2023-08-09. Review status: criteria provided, single submitter. Criteria: Myriad Autosomal Dominant, Autosomal Recessive and X-Linked Classification Criteria (2023). Collection method: clinical testing. Allele origin: unknown.
Comment: NM_182760.3(SUMF1):c.523_524delGC(A175Sfs*12) is expected to be pathogenic in the context of multiple sulfatase deficiency. This variant is predicted to lead to an abnormal or absent protein product due to the creation of a premature termination codon in SUMF1, a gene where loss-of-function variants are known to be pathogenic. Please note: this variant was assessed in the context of healthy population screening.